The following is an entry in ClinVar:

ClinVar aggregate classification (germline): Likely benign. Review status: criteria provided, multiple submitters, no conflicts (2 of 4 stars). 2 submissions from 2 submitters: Likely benign (2). Last evaluated 2025-02-09.

Conditions:
Lethal congenital glycogen storage disease of heart. Also called: GLYCOGEN STORAGE DISEASE OF HEART; PHOSPHORYLASE KINASE DEFICIENCY OF HEART. Identifiers: Orphanet 439854, MedGen C1849813, MONDO:0009867, OMIM 261740.

Allele frequency attached by ClinVar (database versions not stated): TOPMed below 0.00001; ExAC 0.00001; gnomAD 0.00001; gnomAD exomes 0.00001.
gnomAD v4.1: 16 of 1,595,390 alleles (0.001%); highest among the groups gnomAD compares: Non-Finnish European, 0.0013%; no homozygotes.

Submissions (2):

Labcorp Genetics (formerly Invitae), Labcorp
Classification: Likely benign for Lethal congenital glycogen storage disease of heart. Last evaluated: 2025-02-09. Review status: criteria provided, single submitter. Criteria: Invitae Variant Classification Sherloc (09022015). Collection method: clinical testing. Allele origin: germline.

GeneDx
Classification: Likely benign. Last evaluated: 2017-07-11. Review status: criteria provided, single submitter. Criteria: GeneDx Variant Classification (06012015). Collection method: clinical testing. Allele origin: germline. Affected: yes.
Comment: This variant is considered likely benign or benign based on one or more of the following criteria: it is a conservative change, it occurs at a poorly conserved position in the protein, it is predicted to be benign by multiple in silico algorithms, and/or has population frequency not consistent with disease.

NM_016203.4(PRKAG2):c.1106+17T>C

Gene: PRKAG2 (protein kinase AMP-activated non-catalytic subunit gamma 2; minus strand). Cytogenetic location: 7q36.1.
Variant type: single nucleotide variant.
Coding change: c.1106+17T>C on transcript NM_016203.4 (MANE Select); 17 bases into the intron after coding-DNA position 1106, T replaced by C.
Molecular consequence: intron variant.
Genome position (GRCh38, 1-based): chr7:151,570,154, A>G on the plus strand (T>C on the coding strand, the complement: PRKAG2 is on the minus strand). VCF-style: chr7-151570154-A-G. GRCh37 (hg19) VCF-style: chr7-151267240-A-G.
Other names: c.974+17T>C (NM_001040633.2); c.731+17T>C (NM_001304527.2); c.734+17T>C (NM_001363698.2); c.383+17T>C (NM_001304531.2, NM_024429.2).
Identifiers: ClinVar variation 510654 (VCV000510654.5), dbSNP rs769793016, ClinGen allele CA053469.